The following is an entry in ClinVar:

ClinVar aggregate classification (germline): Uncertain significance. Review status: criteria provided, multiple submitters, no conflicts (2 of 4 stars). 2 submissions from 2 submitters: Uncertain significance (2). Last evaluated 2025-02-06.

Conditions:
Progressive microcephaly-seizures-cortical blindness-developmental delay syndrome. Also called: Seizures, cortical blindness, and microcephaly syndrome. Identifiers: Orphanet 477814, MedGen C5567650, MONDO:0014714, OMIM 616632.
Autosomal dominant nonsyndromic hearing loss 1. Also called: KONIGSMARK SYNDROME; DEAFNESS, AUTOSOMAL DOMINANT 1, WITH OR WITHOUT THROMBOCYTOPENIA. Identifiers: Orphanet 90635, MedGen C1852282, MONDO:0007424, OMIM 124900.
Inborn genetic diseases. Identifiers: MedGen C0950123, MeSH D030342.

Allele frequency attached by ClinVar (database versions not stated): TOPMed 0.00002.
gnomAD v4.1: 18 of 1,528,838 alleles (0.0012%); highest among the groups gnomAD compares: South Asian, 0.0036%; no homozygotes.

Submissions (2):

Ambry Genetics
Classification: Uncertain significance for Inborn genetic diseases. Last evaluated: 2025-02-06. Review status: criteria provided, single submitter. Criteria: Ambry Variant Classification Scheme 2023. Collection method: clinical testing. Allele origin: germline.

Labcorp Genetics (formerly Invitae), Labcorp
Classification: Uncertain significance for Progressive microcephaly-seizures-cortical blindness-developmental delay syndrome; Autosomal dominant nonsyndromic hearing loss 1. Last evaluated: 2023-08-04. Review status: criteria provided, single submitter. Criteria: Invitae Variant Classification Sherloc (09022015). Collection method: clinical testing. Allele origin: germline.
Comment: Experimental studies and prediction algorithms are not available or were not evaluated, and the functional significance of this variant is currently unknown. This sequence change replaces proline, which is neutral and non-polar, with arginine, which is basic and polar, at codon 703 of the DIAPH1 protein (p.Pro703Arg). This variant is present in population databases (rs762356974, gnomAD 0.005%). This variant has not been reported in the literature in individuals affected with DIAPH1-related conditions. ClinVar contains an entry for this variant (Variation ID: 836519). In summary, the available evidence is currently insufficient to determine the role of this variant in disease. Therefore, it has been classified as a Variant of Uncertain Significance.

NM_005219.5(DIAPH1):c.2108C>G (p.Pro703Arg)

Gene: DIAPH1 (diaphanous related formin 1; minus strand). Cytogenetic location: 5q31.3.
Variant type: single nucleotide variant.
Coding change: c.2108C>G on transcript NM_005219.5 (MANE Select); coding-DNA position 2108, C replaced by G.
Protein change: p.Pro703Arg; replaces proline 703 with arginine.
Molecular consequence: missense variant.
Genome position (GRCh38, 1-based): chr5:141,573,742, G>C on the plus strand (C>G on the coding strand, the complement: DIAPH1 is on the minus strand). VCF-style: chr5-141573742-G-C. GRCh37 (hg19) VCF-style: chr5-140953309-G-C.
Other names: c.2081C>G, p.Pro694Arg (NM_001079812.3); c.2108C>G, p.Pro703Arg (NM_001314007.2); short protein forms P703R, P694R.
Identifiers: ClinVar variation 836519 (VCV000836519.12), dbSNP rs762356974, ClinGen allele CA3479154.